The following is an entry in ClinVar:

NM_004415.4(DSP):c.1255A>G (p.Lys419Glu)

Gene: DSP (desmoplakin; plus strand). Cytogenetic location: 6p24.3.
Variant type: single nucleotide variant.
Coding change: c.1255A>G on transcript NM_004415.4 (MANE Select); coding-DNA position 1255, A replaced by G.
Protein change: p.Lys419Glu; replaces lysine 419 with glutamic acid.
Molecular consequence: missense variant.
Genome position (GRCh38, 1-based): chr6:7,567,895, A>G. VCF-style: chr6-7567895-A-G. GRCh37 (hg19) VCF-style: chr6-7568128-A-G.
Other names: c.1255A>G, p.Lys419Glu (NM_001008844.3, NM_001319034.2, NM_001406591.1); short protein forms K419E.
Identifiers: ClinVar variation 2775272 (VCV002775272.2), dbSNP rs2533882058, ClinGen allele CA362676243.
Genomic context (GRCh38, chr6:7,567,895, plus strand): 5'-ATCAGGAAGAAGTACCCCTGCGACAAGAACATGCCCCTGCAGCACCTGCTGGAACAGATC[A>G]AGGAGCTGGAGGTATCGTCTCAGACCCAGAACCTCAGCAGCTGTGCCTGATCAGGGAGAT-3'
Protein context (NP_004406.2, residues 409-429): MPLQHLLEQI[Lys419Glu]ELEKEREKIL

ClinVar aggregate classification (germline): Uncertain significance (1 of 4 stars; one submission).

Conditions:
Cardiomyopathy (CMYO). Also called: Cardiomyopathies. Identifiers: Orphanet 167848, MedGen C0878544, MONDO:0004994, HP:0001638. Inheritance: Various modes of inheritance.

Allele frequency attached by ClinVar (database versions not stated): gnomAD exomes below 0.00001.

Submission:

Color Diagnostics, LLC DBA Color Health
Classification: Uncertain significance for Cardiomyopathy. Last evaluated: 2023-04-11. Review status: criteria provided, single submitter. Criteria: ACMG Guidelines, 2015. Collection method: clinical testing. Allele origin: germline.
Comment: This missense variant replaces lysine with glutamic acid at codon 419 of the DSP protein. Computational prediction suggests that this variant may not impact protein structure and function (internally defined REVEL score threshold <= 0.5, PMID: 27666373). To our knowledge, functional studies have not been reported for this variant. This variant has not been reported in individuals affected with DSP-related disorders in the literature. This variant has not been identified in the general population by the Genome Aggregation Database (gnomAD). The available evidence is insufficient to determine the role of this variant in disease conclusively. Therefore, this variant is classified as a Variant of Uncertain Significance.